The following is an entry in ClinVar:

ClinVar aggregate classification (germline): Likely benign. Review status: criteria provided, multiple submitters, no conflicts (2 of 4 stars). 3 submissions from 3 submitters: Likely benign (2). 1 of the submissions does not count toward it. Last evaluated 2026-06-17.

Conditions:
Adams-Oliver syndrome 5 (AOS5). Identifiers: Orphanet 974, MedGen C4014970, MONDO:0014459, OMIM 616028.
Familial thoracic aortic aneurysm and aortic dissection (TAAD). Also called: Thoracic aortic aneurysms and dissections. Identifiers: Orphanet 91387, MedGen C4707243, MONDO:0019625.

Allele frequency attached by ClinVar (database versions not stated): gnomAD below 0.00001 and 0.00002; gnomAD exomes 0.00008 and 0.00002; ExAC 0.00022; 1000 Genomes Project 0.00080; 1000 Genomes Project 30x 0.00047.
gnomAD v4.1: 39 of 1,554,836 alleles (0.0025%); highest among the groups gnomAD compares: South Asian, 0.035%; no homozygotes.

Submissions (3):

Ambry Genetics
Classification: Likely benign for Familial thoracic aortic aneurysm and aortic dissection. Last evaluated: 2026-06-17. Review status: criteria provided, single submitter. Criteria: Ambry Variant Classification Scheme 2023. Collection method: clinical testing. Allele origin: germline.

Labcorp Genetics (formerly Invitae), Labcorp
Classification: Likely benign for Adams-Oliver syndrome 5. Last evaluated: 2025-09-22. Review status: criteria provided, single submitter. Criteria: Invitae Variant Classification Sherloc (09022015). Collection method: clinical testing. Allele origin: germline.

ITMI
No classification provided. Condition: AllHighlyPenetrant. Last evaluated: 2013-09-19. Review status: no classification provided. Collection method: reference population. Allele origin: germline. Not counted in ClinVar's aggregate classification.
Comment: Please see associated publication for description of ethnicities

Literature cited by the submitters: PubMed 24728327 (cited by ITMI).

NM_017617.5(NOTCH1):c.1702G>A (p.Asp568Asn)

Gene: NOTCH1 (notch receptor 1; minus strand). Cytogenetic location: 9q34.3.
Variant type: single nucleotide variant.
Coding change: c.1702G>A on transcript NM_017617.5 (MANE Select); coding-DNA position 1702, G replaced by A.
Protein change: p.Asp568Asn; replaces aspartic acid 568 with asparagine.
Molecular consequence: missense variant.
Genome position (GRCh38, 1-based): chr9:136,515,684, C>T on the plus strand (G>A on the coding strand, the complement: NOTCH1 is on the minus strand). VCF-style: chr9-136515684-C-T. GRCh37 (hg19) VCF-style: chr9-139410136-C-T.
Other names: c.1702G>A (NM_017617.3); c.1702G>A, p.Asp568Asn (LRG_1122t1); short protein forms D568N.
Identifiers: ClinVar variation 134909 (VCV000134909.10), dbSNP rs562413261, ClinGen allele CA161145.